The following is an entry in ClinVar:

NM_006096.4(NDRG1):c.*3G>A

Gene: NDRG1 (N-myc downstream regulated 1; minus strand). Cytogenetic location: 8q24.22.
Variant type: single nucleotide variant.
Coding change: c.*3G>A on transcript NM_006096.4 (MANE Select); 3 bases downstream of the stop codon, G replaced by A.
Molecular consequence: 3 prime UTR variant.
Genome position (GRCh38, 1-based): chr8:133,238,875, C>T on the plus strand (G>A on the coding strand, the complement: NDRG1 is on the minus strand). VCF-style: chr8-133238875-C-T. GRCh37 (hg19) VCF-style: chr8-134251118-C-T.
Other names: c.*3G>A (NM_001135242.2, NM_001258432.2, NM_001258433.2 and 4 more transcripts).
Identifiers: ClinVar variation 4989923 (VCV004989923.1).
Genomic context (GRCh38, chr8:133,238,875, plus strand): 5'-GGGCCGGGGAGGAGGGGGCCACTACAGAGATCAGAGTCCGGGGGCGGCAGCTGGGCAGGC[C>T]GCCTAGCAGGAGACCTCCATGGACTTGGGCCCGGCGCTGTTCCCAGCAGCACCCGAGTTG-3'

ClinVar aggregate classification (germline): Likely benign (1 of 4 stars; one submission).

Conditions:
NDRG1-related disorder. Also called: NDRG1-related condition.

Submission:

PreventionGenetics, part of Exact Sciences
Classification: Likely benign for NDRG1-related condition. Last evaluated: 2026-07-06. Review status: criteria provided, single submitter. Criteria: ACMG Guidelines, 2015. Collection method: clinical testing. Allele origin: germline.
Comment: This variant is classified as likely benign based on ACMG/AMP sequence variant interpretation guidelines (Richards et al. 2015 PMID: 25741868, with internal and published modifications).